The following is an entry in ClinVar:

NM_014679.5(CEP57):c.192C>A (p.Ser64Arg)

Gene: CEP57 (centrosomal protein 57; plus strand). Cytogenetic location: 11q21.
Variant type: single nucleotide variant.
Coding change: c.192C>A on transcript NM_014679.5 (MANE Select); coding-DNA position 192, C replaced by A.
Protein change: p.Ser64Arg; replaces serine 64 with arginine.
Molecular consequence: missense variant.
Genome position (GRCh38, 1-based): chr11:95,799,378, C>A. VCF-style: chr11-95799378-C-A. GRCh37 (hg19) VCF-style: chr11-95532542-C-A.
Other names: c.165C>A, p.Ser55Arg (NM_001243776.2); c.192C>A, p.Ser64Arg (NM_001243777.2, NM_001440881.1, NM_001440882.1 and 6 more transcripts); c.111C>A, p.Ser37Arg (NM_001363604.2, NM_001440869.1, NM_001440880.1 and 4 more transcripts); short protein forms S64R, S37R, S55R.
Identifiers: ClinVar variation 4842318 (VCV004842318.1).

ClinVar aggregate classification (germline): Uncertain significance (1 of 4 stars; one submission).

Conditions:
Inborn genetic diseases. Identifiers: MedGen C0950123, MeSH D030342.

Submission:

Ambry Genetics
Classification: Uncertain significance for Inborn genetic diseases. Last evaluated: 2026-01-06. Review status: criteria provided, single submitter. Criteria: Ambry Variant Classification Scheme 2023. Collection method: clinical testing. Allele origin: germline.
Comment: The p.S64R variant (also known as c.192C>A), located in coding exon 2 of the CEP57 gene, results from a C to A substitution at nucleotide position 192. The serine at codon 64 is replaced by arginine, an amino acid with dissimilar properties. This amino acid position is conserved. In addition, the in silico prediction for this alteration is inconclusive. Based on the available evidence, the clinical significance of this variant remains unclear.